The following is an entry in ClinVar:

ClinVar aggregate classification (germline): Conflicting classifications of pathogenicity. Review status: criteria provided, conflicting classifications (1 of 4 stars). 4 submissions from 4 submitters: Uncertain significance (3); Likely benign (1). Last evaluated 2025-02-13.

Conditions:
Multiple acyl-CoA dehydrogenase deficiency (MADD). Also called: Glutaric aciduria, type 2; Glutaric acidemia type II; GA 2; ETHYLMALONIC-ADIPICACIDURIA; GA II; Glutaric Acidemia type 2. Identifiers: Orphanet 26791, MedGen C0268596, MONDO:0009282, OMIM 231680.

Allele frequency attached by ClinVar (database versions not stated): gnomAD 0.00001; TOPMed 0.00002; gnomAD exomes 0.00007; ExAC 0.00008.
gnomAD v4.1: 67 of 1,614,024 alleles (0.0042%); highest among the groups gnomAD compares: Middle Eastern, 0.066%; no homozygotes.

Submissions (4):

Labcorp Genetics (formerly Invitae), Labcorp
Classification: Likely benign for Multiple acyl-CoA dehydrogenase deficiency. Last evaluated: 2025-02-13. Review status: criteria provided, single submitter. Criteria: Invitae Variant Classification Sherloc (09022015). Collection method: clinical testing. Allele origin: germline.

Genome-Nilou Lab
Classification: Uncertain significance for Multiple acyl-CoA dehydrogenase deficiency. Last evaluated: 2021-07-14. Review status: criteria provided, single submitter. Criteria: ACMG Guidelines, 2015. Collection method: clinical testing. Allele origin: germline. Affected: no.

GeneDx
Classification: Uncertain significance. Last evaluated: 2019-06-28. Review status: criteria provided, single submitter. Criteria: GeneDx Variant Classification Process June 2021. Collection method: clinical testing. Allele origin: germline. Affected: yes.
Comment: Has not been previously published as pathogenic or benign to our knowledge; In-silico analysis, which includes splice predictors and evolutionary conservation, is inconclusive as to whether the variant alters gene splicing. In the absence of RNA/functional studies, the actual effect of this sequence change is unknown.

Illumina Laboratory Services, Illumina
Classification: Uncertain significance for Multiple acyl-CoA dehydrogenase deficiency. Last evaluated: 2018-01-13. Review status: criteria provided, single submitter. Criteria: ICSL Variant Classification Criteria 13 December 2019. Collection method: clinical testing. Allele origin: germline.

NM_004453.4(ETFDH):c.1530C>T (p.Pro510=)

Gene: ETFDH (electron transfer flavoprotein dehydrogenase; plus strand). Cytogenetic location: 4q32.1.
Variant type: single nucleotide variant.
Coding change: c.1530C>T on transcript NM_004453.4 (MANE Select); coding-DNA position 1530, C replaced by T.
Protein change: p.Pro510=; no amino-acid change (proline 510 retained).
Molecular consequence: synonymous variant.
Genome position (GRCh38, 1-based): chr4:158,706,690, C>T. VCF-style: chr4-158706690-C-T. GRCh37 (hg19) VCF-style: chr4-159627842-C-T.
Other names: c.1389C>T, p.Pro463= (NM_001281737.2); c.1347C>T, p.Pro449= (NM_001281738.1).
Identifiers: ClinVar variation 901399 (VCV000901399.17), dbSNP rs754795292, ClinGen allele CA3122655.